The following is an entry in ClinVar:

NM_001042492.3(NF1):c.2016_2031del (p.Cys673fs)

Gene: NF1 (neurofibromin 1; plus strand). Cytogenetic location: 17q11.2.
Variant type: Deletion.
Coding change: c.2016_2031del on transcript NM_001042492.3 (MANE Select); coding-DNA positions 2016 to 2031, 16 bases deleted (ATGCAGCGGAACCCCC).
Protein change: p.Cys673fs; shifts the reading frame from cysteine 673.
Molecular consequence: frameshift variant.
Genome position (GRCh38, 1-based): chr17:31,226,449-31,226,464, ATGCAGCGGAACCCCC deleted. VCF-style (leftmost placement, unchanged base first): chr17-31226448-GATGCAGCGGAACCCCC-G. GRCh37 (hg19) VCF-style: chr17-29553466-GATGCAGCGGAACCCCC-G.
Other names: c.2016_2031del16 (NM_000267.3); c.2016_2031del16, p.Cys673Argfs (NM_000267.4); short protein forms C673fs.
Identifiers: ClinVar variation 1784466 (VCV001784466.2), dbSNP rs2508154247, ClinGen allele CA2580093128.

ClinVar aggregate classification (germline): Pathogenic (1 of 4 stars; one submission).

Conditions:
Hereditary cancer-predisposing syndrome. Also called: Neoplastic Syndromes, Hereditary; Tumor predisposition; Hereditary Cancer Syndrome; Hereditary neoplastic syndrome. Identifiers: Orphanet 140162, MedGen C0027672, MeSH D009386, MONDO:0015356.
Cardiovascular phenotype. Identifiers: MedGen CN230736.

Submission:

Ambry Genetics
Classification: Pathogenic for Cardiovascular phenotype; Hereditary cancer-predisposing syndrome. Last evaluated: 2021-05-06. Review status: criteria provided, single submitter. Criteria: Ambry Variant Classification Scheme 2023. Collection method: clinical testing. Allele origin: germline.
Comment: The c.2016_2031del16 pathogenic mutation, located in coding exon 18 of the NF1 gene, results from a deletion of 16 nucleotides at nucleotide positions 2016 to 2031, causing a translational frameshift with a predicted alternate stop codon (p.C673Rfs*10). This variant is considered to be rare based on population cohorts in the Genome Aggregation Database (gnomAD). This alteration is expected to result in loss of function by premature protein truncation or nonsense-mediated mRNA decay. As such, this alteration is interpreted as a disease-causing mutation.